The following is an entry in ClinVar:

NM_001042492.3(NF1):c.3437T>G (p.Val1146Gly)

Gene: NF1 (neurofibromin 1; plus strand). Cytogenetic location: 17q11.2.
Variant type: single nucleotide variant.
Coding change: c.3437T>G on transcript NM_001042492.3 (MANE Select); coding-DNA position 3437, T replaced by G.
Protein change: p.Val1146Gly; replaces valine 1146 with glycine.
Molecular consequence: missense variant.
Genome position (GRCh38, 1-based): chr17:31,232,822, T>G. VCF-style: chr17-31232822-T-G. GRCh37 (hg19) VCF-style: chr17-29559840-T-G.
Other names: c.3437T>G, p.Val1146Gly (NM_000267.4); short protein forms V1146G.
Identifiers: ClinVar variation 1731425 (VCV001731425.3), dbSNP rs2067137147, ClinGen allele CA398989272.
Genomic context (GRCh38, chr17:31,232,822, plus strand): 5'-AAACAGGTGGCAGGAAACGTGGCATGTCTCGGAGGCTGGCATCACTGAGGCACTGTACGG[T>G]CCTTGCAATGTCAAACTTACTCAATGCCAACGTAGACAGTGGTCTCATGCACTCCATAGG-3'
Protein context (NP_001035957.1, residues 1136-1156): RRLASLRHCT[Val1146Gly]LAMSNLLNAN

ClinVar aggregate classification (germline): Conflicting classifications of pathogenicity. Review status: criteria provided, conflicting classifications (1 of 4 stars). 2 submissions from 2 submitters: Likely pathogenic (1); Uncertain significance (1). Last evaluated 2025-04-09.

Conditions:
Neurofibromatosis, type 1 (NF1). Also called: VON RECKLINGHAUSEN DISEASE; NEUROFIBROMATOSIS, TYPE I, SOMATIC; Neurofibromatosis, type I; Peripheral type neurofibromatosis. Identifiers: Orphanet 636, MedGen C0027831, MONDO:0018975, OMIM 162200. Disease mechanism: loss of function.
Cardiovascular phenotype. Identifiers: MedGen CN230736.
Hereditary cancer-predisposing syndrome. Also called: Neoplastic Syndromes, Hereditary; Tumor predisposition; Hereditary Cancer Syndrome; Hereditary neoplastic syndrome. Identifiers: Orphanet 140162, MedGen C0027672, MeSH D009386, MONDO:0015356.

Submissions (2):

NHS Central & South Genomic Laboratory Hub
Classification: Likely pathogenic for Neurofibromatosis type 1. Last evaluated: 2025-04-09. Review status: criteria provided, single submitter. Criteria: ACMG Guidelines, 2015. Collection method: clinical testing. Allele origin: germline. Affected: yes.

Ambry Genetics
Classification: Uncertain significance for Cardiovascular phenotype; Hereditary cancer-predisposing syndrome. Last evaluated: 2021-09-03. Review status: criteria provided, single submitter. Criteria: Ambry Variant Classification Scheme 2023. Collection method: clinical testing. Allele origin: germline.
Comment: The p.V1146G variant (also known as c.3437T>G), located in coding exon 26 of the NF1 gene, results from a T to G substitution at nucleotide position 3437. The valine at codon 1146 is replaced by glycine, an amino acid with dissimilar properties. This amino acid position is highly conserved in available vertebrate species. In addition, the in silico prediction for this alteration is inconclusive. Since supporting evidence is limited at this time, the clinical significance of this alteration remains unclear.